The following is an entry in ClinVar:

ClinVar aggregate classification (germline): Pathogenic (1 of 4 stars; one submission).

Submission:

ISCA Site 6
Classification: Pathogenic. Last evaluated: 2011-08-12. Review status: criteria provided, single submitter. Criteria: Kaminsky et al. (Genet Med. 2011). Collection method: clinical testing. Allele origin: unknown. Affected: yes. Observed: 1 variant allele.
Comment: Copy number variation identified through the course of routine clinical cytogenomic testing in postnatal populations. Clinical assertions have been curated as described in Kaminsky et al. 2011.

GRCh38/hg38 Xp11.21-q11.2(chrX:55895084-65038751)x2

Genes: AMER1 (APC membrane recruitment protein 1; minus strand), ARHGEF9 (Cdc42 guanine nucleotide exchange factor 9; minus strand), ARHGEF9-IT1 (ARHGEF9 intronic transcript 1; minus strand), ASB12 (ankyrin repeat and SOCS box containing 12; minus strand), FAAH2 (fatty acid amide hydrolase 2; plus strand) and 62 more. Cytogenetic location: Xp11.21-q11.2.
Variant type: copy number gain.
Change: copy number 2 of chrX:55,895,084-65,038,751 (9.14 Mb, GRCh38 coordinates, 1-based), cytogenetic band Xp11.21-q11.2.
Identifiers: ClinVar variation 58638 (VCV000058638.2).